The following is an entry in ClinVar:

NM_000092.5(COL4A4):c.1892G>T (p.Gly631Val)

Gene: COL4A4 (collagen type IV alpha 4 chain; minus strand). Cytogenetic location: 2q36.3.
Variant type: single nucleotide variant.
Coding change: c.1892G>T on transcript NM_000092.5 (MANE Select); coding-DNA position 1892, G replaced by T.
Protein change: p.Gly631Val; replaces glycine 631 with valine.
Molecular consequence: missense variant.
Genome position (GRCh38, 1-based): chr2:227,077,989, C>A on the plus strand (G>T on the coding strand, the complement: COL4A4 is on the minus strand). VCF-style: chr2-227077989-C-A. GRCh37 (hg19) VCF-style: chr2-227942705-C-A.
Other names: short protein forms G631V.
Identifiers: ClinVar variation 4875526 (VCV004875526.1).
Genomic context (GRCh38, chr2:227,077,989, plus strand): 5'-CCTGGGTGGCCTGGAACTCCTGGGTGGCCTCGCTCTCCTGGTGGACCAGGAAATCCCAGT[C>A]CTGGGGGCCCCACAGGTCCTGCTTTGCCTGGGGGGCCCAGAGGTCCAGGAAATCCTTTAC-3'
Protein context (NP_000083.3, residues 621-641): PGKAGPVGPP[Gly631Val]LGFPGPPGER

ClinVar aggregate classification (germline): Uncertain significance (1 of 4 stars; one submission).

Conditions:
Autosomal dominant Alport syndrome (ATS3A). Also called: Alport syndrome dominant type; Renal failure and sensorineural hearing loss; ALPORT SYNDROME 3A, AUTOSOMAL DOMINANT. Identifiers: Orphanet 63, Orphanet 88918, MedGen C5882663, MONDO:0007086, OMIM 104200.

Submission:

Department of Nephrology, Rheumatology and Immunology, Shanghai Children's Hospital
Classification: Uncertain significance for Autosomal dominant Alport syndrome. Last evaluated: 2016-05-05. Review status: criteria provided, single submitter. Criteria: ACMG Guidelines, 2015. Collection method: clinical testing. Allele origin: maternal. Affected: yes. Observed: 1 variant allele.
Comment: COL4A4 (NM_000092.5; c.1892G>T; p.Gly631Val; CDS24; Het): A missense variant without relevant published pathogenic data and unknown clinical significance. Its allele frequency in the general population is extremely low. SIFT and PolyPhen predicted damaging outcomes, and it was identified as VUS (variant of uncertain significance) per ACMG standards.